The following is an entry in ClinVar:

NM_177433.3(MAGED2):c.770G>A (p.Arg257His)

Gene: MAGED2 (MAGE family member D2; plus strand). Cytogenetic location: Xp11.21.
Variant type: single nucleotide variant.
Coding change: c.770G>A on transcript NM_177433.3 (MANE Select); coding-DNA position 770, G replaced by A.
Protein change: p.Arg257His; replaces arginine 257 with histidine.
Molecular consequence: missense variant.
Genome position (GRCh38, 1-based): chrX:54,811,053, G>A. VCF-style: chrX-54811053-G-A. GRCh37 (hg19) VCF-style: chrX-54837486-G-A.
Other names: c.770G>A, p.Arg257His (NM_014599.6, NM_201222.3); short protein forms R257H.
Identifiers: ClinVar variation 3602140 (VCV003602140.2).

ClinVar aggregate classification (germline): Uncertain significance. Review status: criteria provided, multiple submitters, no conflicts (2 of 4 stars). 2 submissions from 2 submitters: Uncertain significance (2). Last evaluated 2025-12-22.

Submissions (2):

Labcorp Genetics (formerly Invitae), Labcorp
Classification: Uncertain significance. Last evaluated: 2025-12-22. Review status: criteria provided, single submitter. Criteria: Invitae Variant Classification Sherloc (09022015). Collection method: clinical testing. Allele origin: germline.
Comment: This sequence change replaces arginine, which is basic and polar, with histidine, which is basic and polar, at codon 257 of the MAGED2 protein (p.Arg257His). This variant is not present in population databases (gnomAD no frequency). This variant has not been reported in the literature in individuals affected with MAGED2-related conditions. ClinVar contains an entry for this variant (Variation ID: 3602140). An algorithm developed to predict the effect of missense changes on protein structure and function (PolyPhen-2) suggests that this variant is likely to be disruptive. In summary, the available evidence is currently insufficient to determine the role of this variant in disease. Therefore, it has been classified as a Variant of Uncertain Significance.

GeneDx
Classification: Uncertain significance. Last evaluated: 2024-08-01. Review status: criteria provided, single submitter. Criteria: GeneDx Variant Classification Process June 2021. Collection method: clinical testing. Allele origin: germline. Affected: yes.
Comment: In silico analysis supports that this missense variant has a deleterious effect on protein structure/function; Has not been previously published as pathogenic or benign to our knowledge